The following is an entry in ClinVar:

ClinVar aggregate classification (germline): Likely benign (1 of 4 stars; one submission).

Conditions:
NOTCH2-related disorder. Also called: NOTCH2-related condition.

gnomAD v4.1: 2 of 1,613,524 alleles (0.00012%); highest among the groups gnomAD compares: Non-Finnish European, 0.00017%; no homozygotes.

Submission:

PreventionGenetics, part of Exact Sciences
Classification: Likely benign for NOTCH2-related condition. Last evaluated: 2025-06-12. Review status: criteria provided, single submitter. Criteria: ACMG Guidelines, 2015. Collection method: clinical testing. Allele origin: germline.
Comment: This variant is classified as likely benign based on ACMG/AMP sequence variant interpretation guidelines (Richards et al. 2015 PMID: 25741868, with internal and published modifications).

NM_024408.4(NOTCH2):c.5718G>A (p.Gln1906=)

Gene: NOTCH2 (notch receptor 2; minus strand). Cytogenetic location: 1p12.
Variant type: single nucleotide variant.
Coding change: c.5718G>A on transcript NM_024408.4 (MANE Select); coding-DNA position 5718, G replaced by A.
Protein change: p.Gln1906=; no amino-acid change (glutamine 1906 retained).
Molecular consequence: synonymous variant.
Genome position (GRCh38, 1-based): chr1:119,919,375, C>T on the plus strand (G>A on the coding strand, the complement: NOTCH2 is on the minus strand). VCF-style: chr1-119919375-C-T. GRCh37 (hg19) VCF-style: chr1-120461998-C-T.
Identifiers: ClinVar variation 4998842 (VCV004998842.1).